The following is an entry in ClinVar:

ClinVar aggregate classification (germline): Uncertain significance (1 of 4 stars; one submission).

Conditions:
KBG syndrome (KBGS). Also called: ANKRD11-Related KBG Syndrome. Identifiers: Orphanet 2332, MedGen C0220687, MONDO:0007846, OMIM 148050.

gnomAD v4.1: 57 of 1,613,934 alleles (0.0035%); highest among the groups gnomAD compares: Non-Finnish European, 0.0041%; no homozygotes.

Submission:

Labcorp Genetics (formerly Invitae), Labcorp
Classification: Uncertain significance for KBG syndrome. Last evaluated: 2024-06-30. Review status: criteria provided, single submitter. Criteria: Invitae Variant Classification Sherloc (09022015). Collection method: clinical testing. Allele origin: germline.
Comment: This sequence change replaces glutamic acid, which is acidic and polar, with alanine, which is neutral and non-polar, at codon 1051 of the ANKRD11 protein (p.Glu1051Ala). This variant is present in population databases (rs200756644, gnomAD 0.01%). This variant has not been reported in the literature in individuals affected with ANKRD11-related conditions. Advanced modeling of protein sequence and biophysical properties (such as structural, functional, and spatial information, amino acid conservation, physicochemical variation, residue mobility, and thermodynamic stability) performed at Invitae indicates that this missense variant is not expected to disrupt ANKRD11 protein function with a negative predictive value of 95%. In summary, the available evidence is currently insufficient to determine the role of this variant in disease. Therefore, it has been classified as a Variant of Uncertain Significance.

NM_013275.6(ANKRD11):c.3152A>C (p.Glu1051Ala)

Gene: ANKRD11 (ankyrin repeat domain 11; minus strand). Cytogenetic location: 16q24.3.
Variant type: single nucleotide variant.
Coding change: c.3152A>C on transcript NM_013275.6 (MANE Select); coding-DNA position 3152, A replaced by C.
Protein change: p.Glu1051Ala; replaces glutamic acid 1051 with alanine.
Molecular consequence: missense variant.
Genome position (GRCh38, 1-based): chr16:89,283,390, T>G on the plus strand (A>C on the coding strand, the complement: ANKRD11 is on the minus strand). VCF-style: chr16-89283390-T-G. GRCh37 (hg19) VCF-style: chr16-89349798-T-G.
Other names: c.3152A>C, p.Glu1051Ala (NM_001256182.2, NM_001256183.2); short protein forms E1051A.
Identifiers: ClinVar variation 3687254 (VCV003687254.2).